The following is an entry in ClinVar:

ClinVar aggregate classification (germline): Pathogenic (1 of 4 stars; one submission).

Conditions:
Senior-Loken syndrome 7 (SLSN7). Identifiers: Orphanet 3156, MedGen C3150877, MONDO:0013326, OMIM 613615.
Bardet-Biedl syndrome 16 (BBS16). Identifiers: Orphanet 110, MedGen C3889474, MONDO:0014444, OMIM 615993.

Submission:

Labcorp Genetics (formerly Invitae), Labcorp
Classification: Pathogenic for Bardet-Biedl syndrome 16; Senior-Loken syndrome 7. Last evaluated: 2022-03-09. Review status: criteria provided, single submitter. Criteria: Invitae Variant Classification Sherloc (09022015). Collection method: clinical testing. Allele origin: germline.
Comment: For these reasons, this variant has been classified as Pathogenic. This variant has not been reported in the literature in individuals affected with SDCCAG8-related conditions. This variant is a gross deletion of the genomic region encompassing exon(s) 1 of the SDCCAG8 gene, which includes the initiator codon. This deletion extends beyond the assayed region for this gene and therefore may encompass additional genes. It is expected to result in an absent or disrupted protein product. Loss-of-function variants in SDCCAG8 are known to be pathogenic (PMID: 20835237, 22190896).

Literature cited by the submitters: PubMed 20835237; PubMed 22190896.

NC_000001.10:g.(?_243335979)_(243419562_?)del

Genes: CEP170 (centrosomal protein 170; minus strand), SDCCAG8 (SHH signaling and ciliogenesis regulator SDCCAG8; plus strand). Cytogenetic location: 1q43.
Variant type: Deletion.
Identifiers: ClinVar variation 2425626 (VCV002425626.3).